The following is an entry in ClinVar:

ClinVar aggregate classification (germline): Likely pathogenic (1 of 4 stars; one submission).

Conditions:
Microcephaly 21, primary, autosomal recessive. Identifiers: MedGen C4693831, MONDO:0054804, OMIM 617983.

Submission:

First Genomix Gene Laboratory, Genetic Diagnostics Department
Classification: Likely pathogenic for Microcephaly 21, primary, autosomal recessive. Last evaluated: 2025-08-29. Review status: criteria provided, single submitter. Criteria: ACMG Guidelines, 2015. Collection method: clinical testing. Allele origin: germline. Inheritance: Autosomal recessive inheritance. Affected: no. Observed: 1 variant allele.

NM_014865.4(NCAPD2):c.2918dup (p.Ser973_Glu974insTer)

Gene: NCAPD2 (non-SMC condensin I complex subunit D2; plus strand). Cytogenetic location: 12p13.31.
Variant type: Duplication.
Coding change: c.2918dup on transcript NM_014865.4 (MANE Select); coding-DNA position 2918, one base duplicated (C; older notation c.2918dupC).
Protein change: p.Ser973_Glu974insTer.
Molecular consequence: frameshift variant.
Genome position (GRCh38, 1-based): chr12:6,527,787, C duplicated. VCF-style (leftmost placement, unchanged base first): chr12-6527786-T-TC. GRCh37 (hg19) VCF-style: chr12-6636952-T-TC.
Other names: c.2918dupC (NM_014865.4).
Identifiers: ClinVar variation 4850235 (VCV004850235.1).